The following is an entry in ClinVar:

NM_000059.4(BRCA2):c.8271del (p.Glu2757fs)

Gene: BRCA2 (BRCA2 DNA repair associated; plus strand). Cytogenetic location: 13q13.1.
Variant type: Deletion.
Coding change: c.8271del on transcript NM_000059.4 (MANE Select); coding-DNA position 8271, one base deleted (A; older notation c.8271delA).
Protein change: p.Glu2757fs; shifts the reading frame from glutamic acid 2757.
Molecular consequence: frameshift variant.
Genome position (GRCh38, 1-based): chr13:32,363,473, A deleted; the last of 2 consecutive A bases (chr13:32,363,472-32,363,473); deleting either gives the same sequence. VCF-style (leftmost placement, unchanged base first): chr13-32363471-GA-G. GRCh37 (hg19) VCF-style: chr13-32937608-GA-G.
Other names: c.8271delA (NM_000059.3); short protein forms E2757fs.
Identifiers: ClinVar variation 462472 (VCV000462472.7), dbSNP rs1555287071, ClinGen allele CA658656355.

ClinVar aggregate classification (germline): Pathogenic (1 of 4 stars; one submission).

Conditions:
Hereditary breast ovarian cancer syndrome. Also called: Hereditary breast and ovarian cancer syndrome (HBOC); Hereditary breast and ovarian cancer syndrome; Breast and ovarian cancer; Hereditary breast and/or ovarian cancer syndrome; Hereditary breast and ovarian cancer; BRCA1- and BRCA2-Associated Hereditary Breast and Ovarian Cancer. Identifiers: Orphanet 145, MedGen C0677776, MeSH D061325, MONDO:0003582. Disease mechanism: loss of function.

Submission:

Labcorp Genetics (formerly Invitae), Labcorp
Classification: Pathogenic for Hereditary breast ovarian cancer syndrome. Last evaluated: 2017-06-26. Review status: criteria provided, single submitter. Criteria: Invitae Variant Classification Sherloc (09022015). Collection method: clinical testing. Allele origin: germline.
Comment: For these reasons, this variant has been classified as Pathogenic. Loss-of-function variants in BRCA2 are known to be pathogenic (PMID: 20104584). This variant has not been reported in the literature in individuals with BRCA2-related disease. This variant is not present in population databases (ExAC no frequency). This sequence change creates a premature translational stop signal (p.Glu2757Aspfs*20) in the BRCA2 gene. It is expected to result in an absent or disrupted protein product.

Literature cited by the submitters: PubMed 20104584.